The following is an entry in ClinVar:

ClinVar aggregate classification (germline): Pathogenic (1 of 4 stars; one submission).

Conditions:
Dyskeratosis congenita. Identifiers: Orphanet 1775, MedGen C0265965, MONDO:0015780.

Submission:

Labcorp Genetics (formerly Invitae), Labcorp
Classification: Pathogenic for Dyskeratosis congenita. Last evaluated: 2023-08-17. Review status: criteria provided, single submitter. Criteria: Invitae Variant Classification Sherloc (09022015). Collection method: clinical testing. Allele origin: unknown.
Comment: This variant results in the deletion of exons 16-23 and part of exon 15 (c.2522_*2227del) of the CTC1 gene. While this deletion is not anticipated to lead to nonsense mediated decay, it is expected to alter mRNA translation or result in a truncated protein product. This variant has not been reported in the literature in individuals affected with CTC1-related conditions. This variant disrupts a region of the CTC1 protein in which other variant(s) (p.Cys985del) have been determined to be pathogenic (PMID: 22267198, 22899577, 23869908, 24115768). This suggests that this is a clinically significant region of the protein, and that variants that disrupt it are likely to be disease-causing. For these reasons, this variant has been classified as Pathogenic.

Literature cited by the submitters: PubMed 22267198; PubMed 22899577; PubMed 23869908; PubMed 24115768.

NC_000017.10:g.(?_8129271)_(8134741_?)del

Gene: CTC1 (CST telomere replication complex component 1; minus strand). Cytogenetic location: 17p13.1.
Variant type: Deletion.
Identifiers: ClinVar variation 3242938 (VCV003242938.1).